The following is an entry in ClinVar:

GRCh38/hg38 15q13.3(chr15:31729530-32222779)x3

Genes: CHRNA7 (cholinergic receptor nicotinic alpha 7 subunit), OTUD7A (OTU deubiquitinase 7A; minus strand), LOC125078053 (Sharpr-MPRA regulatory region 11410; plus strand), LOC129390681 (MPRA-validated peak2289 silencer), LOC130056727 (ATAC-STARR-seq lymphoblastoid silent region 6268; plus strand). Cytogenetic location: 15q13.3.
Variant type: copy number gain.
Change: copy number 3 (three copies instead of two) of chr15:31,729,530-32,222,779 (493.2 kb, GRCh38 coordinates, 1-based), cytogenetic band 15q13.3.
Identifiers: ClinVar variation 59711 (VCV000059711.1).

ClinVar aggregate classification (germline): Benign (1 of 4 stars; one submission).

Submission:

ISCA site 15
Classification: Benign. Last evaluated: 2011-08-12. Review status: criteria provided, single submitter. Criteria: Kaminsky et al. (Genet Med. 2011). Collection method: clinical testing. Allele origin: de novo. Affected: yes. Observed: 1 variant allele.
Comment: Copy number variation identified through the course of routine clinical cytogenomic testing in postnatal populations. Clinical assertions have been curated as described in Kaminsky et al. 2011.